The following is an entry in ClinVar:

ClinVar aggregate classification (germline): Uncertain significance (1 of 4 stars; one submission).

Conditions:
Singleton-Merten syndrome 1 (SGMRT1). Also called: Widened medullary cavities of bone, aortic calcification, abnormal dentition, and muscular weakness; Syndrome of widened medullary cavities of the metacarpals and phalanges, aortic calcification and abnormal dentition. Identifiers: Orphanet 85191, MedGen C4225427, MONDO:0024535, OMIM 182250.
Aicardi-Goutieres syndrome 7 (AGS7). Identifiers: Orphanet 51, MedGen C3888244, MONDO:0014367, OMIM 615846.

gnomAD v4.1: 1 of 1,607,634 alleles (0.000062%); highest among the groups gnomAD compares: East Asian, 0.0022%; no homozygotes.

Submission:

Labcorp Genetics (formerly Invitae), Labcorp
Classification: Uncertain significance for Aicardi-Goutieres syndrome 7; Singleton-Merten syndrome 1. Last evaluated: 2024-03-18. Review status: criteria provided, single submitter. Criteria: Invitae Variant Classification Sherloc (09022015). Collection method: clinical testing. Allele origin: germline.
Comment: This sequence change replaces phenylalanine, which is neutral and non-polar, with tyrosine, which is neutral and polar, at codon 778 of the IFIH1 protein (p.Phe778Tyr). This variant is not present in population databases (gnomAD no frequency). This variant has not been reported in the literature in individuals affected with IFIH1-related conditions. Advanced modeling of protein sequence and biophysical properties (such as structural, functional, and spatial information, amino acid conservation, physicochemical variation, residue mobility, and thermodynamic stability) has been performed at Invitae for this missense variant, however the output from this modeling did not meet the statistical confidence thresholds required to predict the impact of this variant on IFIH1 protein function. In summary, the available evidence is currently insufficient to determine the role of this variant in disease. Therefore, it has been classified as a Variant of Uncertain Significance.

NM_022168.4(IFIH1):c.2333T>A (p.Phe778Tyr)

Gene: IFIH1 (interferon induced with helicase C domain 1; minus strand). Cytogenetic location: 2q24.2.
Variant type: single nucleotide variant.
Coding change: c.2333T>A on transcript NM_022168.4 (MANE Select); coding-DNA position 2333, T replaced by A.
Protein change: p.Phe778Tyr; replaces phenylalanine 778 with tyrosine.
Molecular consequence: missense variant.
Genome position (GRCh38, 1-based): chr2:162,273,916, A>T on the plus strand (T>A on the coding strand, the complement: IFIH1 is on the minus strand). VCF-style: chr2-162273916-A-T. GRCh37 (hg19) VCF-style: chr2-163130426-A-T.
Other names: short protein forms F778Y.
Identifiers: ClinVar variation 3753624 (VCV003753624.2).